The following is an entry in ClinVar:

ClinVar aggregate classification (germline): Conflicting classifications of pathogenicity. Review status: criteria provided, conflicting classifications (1 of 4 stars). 4 submissions from 4 submitters: Uncertain significance (1); Likely benign (3). Last evaluated 2026-01-26.

Allele frequency attached by ClinVar (database versions not stated): ExAC 0.00026; TOPMed 0.00034; gnomAD exomes 0.00051 and 0.00065; gnomAD 0.00054 and 0.00058.
gnomAD v4.1: 975 of 1,535,134 alleles (0.064%); highest among the groups gnomAD compares: Non-Finnish European, 0.067%; 1 homozygote.

Submissions (4):

Labcorp Genetics (formerly Invitae), Labcorp
Classification: Likely benign. Last evaluated: 2026-01-26. Review status: criteria provided, single submitter. Criteria: Invitae Variant Classification Sherloc (09022015). Collection method: clinical testing. Allele origin: germline.

CeGaT Center for Human Genetics Tuebingen
Classification: Likely benign. Last evaluated: 2025-11-01. Review status: criteria provided, single submitter. Criteria: CeGaT Center For Human Genetics Tuebingen Variant Classification Criteria Version 2. Collection method: clinical testing. Allele origin: germline. Affected: yes. Observed: 2 variant alleles.
Comment: PIEZO1: BS2

Blueprint Genetics
Classification: Likely benign. Last evaluated: 2024-11-26. Review status: criteria provided, single submitter. Criteria: ACMG Guidelines, 2015. Collection method: clinical testing. Allele origin: germline.

Revvity Omics, Revvity
Classification: Uncertain significance. Last evaluated: 2022-03-11. Review status: criteria provided, single submitter. Criteria: ACMG Guidelines, 2015. Collection method: clinical testing. Allele origin: germline.

NM_001142864.4(PIEZO1):c.4766C>T (p.Thr1589Ile)

Gene: PIEZO1 (piezo type mechanosensitive ion channel component 1 (Er blood group); minus strand). Cytogenetic location: 16q24.3.
Variant type: single nucleotide variant.
Coding change: c.4766C>T on transcript NM_001142864.4 (MANE Select); coding-DNA position 4766, C replaced by T.
Protein change: p.Thr1589Ile; replaces threonine 1589 with isoleucine.
Molecular consequence: missense variant.
Genome position (GRCh38, 1-based): chr16:88,722,592, G>A on the plus strand (C>T on the coding strand, the complement: PIEZO1 is on the minus strand). VCF-style: chr16-88722592-G-A. GRCh37 (hg19) VCF-style: chr16-88789000-G-A.
Other names: short protein forms T1589I.
Identifiers: ClinVar variation 735052 (VCV000735052.17), dbSNP rs534283978, ClinGen allele CA8232056.